The following is an entry in ClinVar:

ClinVar aggregate classification (germline): Pathogenic (1 of 4 stars; one submission).

Conditions:
Primary ciliary dyskinesia 3. Identifiers: Orphanet 244, MedGen C1837618, MONDO:0012085, OMIM 608644.

Submission:

Myriad Genetics, Inc.
Classification: Pathogenic for Primary ciliary dyskinesia 3. Last evaluated: 2023-09-27. Review status: criteria provided, single submitter. Criteria: Myriad Autosomal Dominant, Autosomal Recessive and X-Linked Classification Criteria (2023). Collection method: clinical testing. Allele origin: unknown.
Comment: NM_001369.2(DNAH5):c.9308dupC(A3104Cfs*9) is expected to be pathogenic in the context of primary ciliary dyskinesia, DNAH5-related. This variant is predicted to lead to an abnormal or absent protein product due to the creation of a premature termination codon in DNAH5, a gene where loss-of-function variants are known to be pathogenic. Please note: this variant was assessed in the context of healthy population screening.

NM_001369.3(DNAH5):c.9308dup (p.Ala3104fs)

Gene: DNAH5 (dynein axonemal heavy chain 5; minus strand). Cytogenetic location: 5p15.2.
Variant type: Duplication.
Coding change: c.9308dup on transcript NM_001369.3 (MANE Select); coding-DNA position 9308, one base duplicated (C; older notation c.9308dupC).
Protein change: p.Ala3104fs; shifts the reading frame from alanine 3104.
Molecular consequence: frameshift variant.
Genome position (GRCh38, 1-based): chr5:13,776,504, G duplicated on the plus strand (C on the coding strand, the reverse complement: DNAH5 is on the minus strand); the first of 3 consecutive G bases (chr5:13,776,504-13,776,506); duplicating any one gives the same sequence. VCF-style (leftmost placement, unchanged base first): chr5-13776503-A-AG. GRCh37 (hg19) VCF-style: chr5-13776612-A-AG.
Other names: short protein forms A3104fs.
Identifiers: ClinVar variation 5011819 (VCV005011819.1).